The following is an entry in ClinVar:

NM_004260.4(RECQL4):c.2560A>C (p.Thr854Pro)

Gene: RECQL4 (RecQ like helicase 4; minus strand). Cytogenetic location: 8q24.3.
Variant type: single nucleotide variant.
Coding change: c.2560A>C on transcript NM_004260.4 (MANE Select); coding-DNA position 2560, A replaced by C.
Protein change: p.Thr854Pro; replaces threonine 854 with proline.
Molecular consequence: missense variant.
Genome position (GRCh38, 1-based): chr8:144,513,042, T>G on the plus strand (A>C on the coding strand, the complement: RECQL4 is on the minus strand). VCF-style: chr8-144513042-T-G. GRCh37 (hg19) VCF-style: chr8-145738425-T-G.
Other names: short protein forms T854P.
Identifiers: ClinVar variation 573703 (VCV000573703.5), dbSNP rs1167670319, ClinGen allele CA372677056.

ClinVar aggregate classification (germline): Uncertain significance (1 of 4 stars; one submission).

Conditions:
Baller-Gerold syndrome (BGS). Also called: CRANIOSYNOSTOSIS WITH RADIAL DEFECTS. Identifiers: Orphanet 1225, MedGen C0265308, MONDO:0009039, OMIM 218600.

Allele frequency attached by ClinVar (database versions not stated): gnomAD exomes below 0.00001 and 0.00001; TOPMed 0.00001.
gnomAD v4.1: 1 of 1,576,396 alleles (0.000063%); highest among the groups gnomAD compares: African/African-American, 0.0013%; no homozygotes.

Submission:

Labcorp Genetics (formerly Invitae), Labcorp
Classification: Uncertain significance for Baller-Gerold syndrome. Last evaluated: 2023-09-21. Review status: criteria provided, single submitter. Criteria: Invitae Variant Classification Sherloc (09022015). Collection method: clinical testing. Allele origin: germline.
Comment: In summary, the available evidence is currently insufficient to determine the role of this variant in disease. Therefore, it has been classified as a Variant of Uncertain Significance. Advanced modeling of protein sequence and biophysical properties (such as structural, functional, and spatial information, amino acid conservation, physicochemical variation, residue mobility, and thermodynamic stability) has been performed at Invitae for this missense variant, however the output from this modeling did not meet the statistical confidence thresholds required to predict the impact of this variant on RECQL4 protein function. ClinVar contains an entry for this variant (Variation ID: 573703). This variant has not been reported in the literature in individuals affected with RECQL4-related conditions. This variant is present in population databases (no rsID available, gnomAD 0.01%). This sequence change replaces threonine, which is neutral and polar, with proline, which is neutral and non-polar, at codon 854 of the RECQL4 protein (p.Thr854Pro).